The following is an entry in ClinVar:

ClinVar aggregate classification (germline): Uncertain significance (1 of 4 stars; one submission).

Conditions:
Short-rib thoracic dysplasia 14 with polydactyly (SRTD14). Identifiers: Orphanet 397715, MedGen C4225286, MONDO:0014688, OMIM 616546.
Joubert syndrome 23 (JBTS23). Identifiers: Orphanet 475, MedGen C4084822, MONDO:0014664, OMIM 616490.

Allele frequency attached by ClinVar (database versions not stated): gnomAD exomes 0.00001.
gnomAD v4.1: 3 of 1,613,640 alleles (0.00019%); highest among the groups gnomAD compares: Non-Finnish European, 0.00025%; no homozygotes.

Submission:

Labcorp Genetics (formerly Invitae), Labcorp
Classification: Uncertain significance for Joubert syndrome 23; Short-rib thoracic dysplasia 14 with polydactyly. Last evaluated: 2022-06-13. Review status: criteria provided, single submitter. Criteria: Invitae Variant Classification Sherloc (09022015). Collection method: clinical testing. Allele origin: germline.
Comment: In summary, the available evidence is currently insufficient to determine the role of this variant in disease. Therefore, it has been classified as a Variant of Uncertain Significance. Algorithms developed to predict the effect of missense changes on protein structure and function are either unavailable or do not agree on the potential impact of this missense change (SIFT: "Deleterious"; PolyPhen-2: "Possibly Damaging"; Align-GVGD: "Class C0"). This variant has not been reported in the literature in individuals affected with KIAA0586-related conditions. This variant is not present in population databases (gnomAD no frequency). This sequence change replaces lysine, which is basic and polar, with glutamic acid, which is acidic and polar, at codon 858 of the KIAA0586 protein (p.Lys858Glu).

NM_001329943.3(KIAA0586):c.2413A>G (p.Lys805Glu)

Gene: KIAA0586 (KIAA0586; plus strand). Cytogenetic location: 14q23.1.
Variant type: single nucleotide variant.
Coding change: c.2413A>G on transcript NM_001329943.3 (MANE Select); coding-DNA position 2413, A replaced by G.
Protein change: p.Lys805Glu; replaces lysine 805 with glutamic acid.
Molecular consequence: missense variant.
Genome position (GRCh38, 1-based): chr14:58,467,893, A>G. VCF-style: chr14-58467893-A-G. GRCh37 (hg19) VCF-style: chr14-58934611-A-G.
Other names: c.2572A>G, p.Lys858Glu (NM_001244189.2); c.2368A>G, p.Lys790Glu (NM_001244190.2); c.2158A>G, p.Lys720Glu (NM_001244191.2, NM_001329945.2, NM_001364700.1 and 1 more transcripts); c.2281A>G, p.Lys761Glu (NM_001244192.2); c.1993A>G, p.Lys665Glu (NM_001244193.2); c.2413A>G, p.Lys805Glu (NM_001329944.2, NM_001329946.2, NM_001329947.2); c.2185A>G, p.Lys729Glu (NM_014749.5); short protein forms K790E, K805E, K761E, K858E, K665E, K720E, K729E.
Identifiers: ClinVar variation 2164684 (VCV002164684.4), dbSNP rs2543278056, ClinGen allele CA389875478.